The following is an entry in ClinVar:

NM_005359.6(SMAD4):c.1045A>G (p.Thr349Ala)

Gene: SMAD4 (SMAD family member 4; plus strand). Cytogenetic location: 18q21.2.
Variant type: single nucleotide variant.
Coding change: c.1045A>G on transcript NM_005359.6 (MANE Select); coding-DNA position 1045, A replaced by G.
Protein change: p.Thr349Ala; replaces threonine 349 with alanine.
Molecular consequence: missense variant. On other transcripts: non-coding transcript variant (2).
Genome position (GRCh38, 1-based): chr18:51,065,512, A>G. VCF-style: chr18-51065512-A-G. GRCh37 (hg19) VCF-style: chr18-48591882-A-G.
Other names: c.1045A>G, p.Thr349Ala (NM_001407041.1, NM_001407042.1, NM_001407043.1); short protein forms T349A.
Identifiers: ClinVar variation 3238384 (VCV003238384.2), dbSNP rs2144447034.

ClinVar aggregate classification (germline): Uncertain significance (1 of 4 stars; one submission).

Conditions:
Familial thoracic aortic aneurysm and aortic dissection (TAAD). Also called: Thoracic aortic aneurysms and dissections. Identifiers: Orphanet 91387, MedGen C4707243, MONDO:0019625.
Hereditary cancer-predisposing syndrome. Also called: Neoplastic Syndromes, Hereditary; Tumor predisposition; Hereditary Cancer Syndrome; Hereditary neoplastic syndrome. Identifiers: Orphanet 140162, MedGen C0027672, MeSH D009386, MONDO:0015356.

Allele frequency attached by ClinVar (database versions not stated): gnomAD exomes 0.00001.

Submission:

Ambry Genetics
Classification: Uncertain significance for Hereditary cancer-predisposing syndrome; Familial thoracic aortic aneurysm and aortic dissection. Last evaluated: 2026-08-10. Review status: criteria provided, single submitter. Criteria: Ambry Variant Classification Scheme 2023. Collection method: clinical testing. Allele origin: germline.
Comment: The p.T349A variant (also known as c.1045A>G), located in coding exon 8 of the SMAD4 gene, results from an A to G substitution at nucleotide position 1045. The threonine at codon 349 is replaced by alanine, an amino acid with similar properties. This amino acid position is highly conserved in available vertebrate species. In addition, this alteration is predicted to be deleterious by in silico analysis. Based on the available evidence, the clinical significance of this variant remains unclear.